The following is an entry in ClinVar:

NM_021930.6(RINT1):c.839+3A>C

Gene: RINT1 (RAD50 interactor 1; plus strand). Cytogenetic location: 7q22.3.
Variant type: single nucleotide variant.
Coding change: c.839+3A>C on transcript NM_021930.6 (MANE Select); 3 bases into the intron after coding-DNA position 839, A replaced by C.
Molecular consequence: intron variant.
Genome position (GRCh38, 1-based): chr7:105,547,336, A>C. VCF-style: chr7-105547336-A-C. GRCh37 (hg19) VCF-style: chr7-105187783-A-C.
Other names: c.-181+3A>C (NM_001346600.2); c.-84+3A>C (NM_001346601.2); c.-27-2719A>C (NM_001346603.2); c.605+3A>C (NM_001346599.2).
Identifiers: ClinVar variation 2156502 (VCV002156502.4), dbSNP rs538561688, ClinGen allele CA4426540.

ClinVar aggregate classification (germline): Uncertain significance (1 of 4 stars; one submission).

Allele frequency attached by ClinVar (database versions not stated): gnomAD exomes below 0.00001; TOPMed 0.00001.
gnomAD v4.1: 7 of 1,613,544 alleles (0.00043%); highest among the groups gnomAD compares: Non-Finnish European, 0.00059%; no homozygotes.

Submission:

Labcorp Genetics (formerly Invitae), Labcorp
Classification: Uncertain significance. Last evaluated: 2025-12-24. Review status: criteria provided, single submitter. Criteria: Invitae Variant Classification Sherloc (09022015). Collection method: clinical testing. Allele origin: germline.
Comment: This sequence change falls in intron 6 of the RINT1 gene. It does not directly change the encoded amino acid sequence of the RINT1 protein. It affects a nucleotide within the consensus splice site. This variant is present in population databases (rs538561688, gnomAD 0.0009%). This variant has not been reported in the literature in individuals affected with RINT1-related conditions. ClinVar contains an entry for this variant (Variation ID: 2156502). Variants that disrupt the consensus splice site are a relatively common cause of aberrant splicing (PMID: 17576681, 9536098). Algorithms developed to predict the effect of sequence changes on RNA splicing suggest that this variant is not likely to affect RNA splicing. In summary, the available evidence is currently insufficient to determine the role of this variant in disease. Therefore, it has been classified as a Variant of Uncertain Significance.

Literature cited by the submitters: PubMed 17576681; PubMed 9536098.